The following is an entry in ClinVar:

NM_001982.4(ERBB3):c.265G>A (p.Val89Met)

Gene: ERBB3 (erb-b2 receptor tyrosine kinase 3; plus strand). Cytogenetic location: 12q13.2.
Variant type: single nucleotide variant.
Coding change: c.265G>A on transcript NM_001982.4 (MANE Select); coding-DNA position 265, G replaced by A.
Protein change: p.Val89Met; replaces valine 89 with methionine.
Molecular consequence: missense variant.
Genome position (GRCh38, 1-based): chr12:56,085,025, G>A. VCF-style: chr12-56085025-G-A. GRCh37 (hg19) VCF-style: chr12-56478809-G-A.
Other names: c.265G>A, p.Val89Met (NM_001005915.1); short protein forms V89M.
Identifiers: ClinVar variation 5005133 (VCV005005133.2).

ClinVar aggregate classification (germline): Uncertain significance (1 of 4 stars; one submission).

Conditions:
Visceral neuropathy, familial, 1, autosomal recessive (VSCN1). Identifiers: Orphanet 99811, MedGen C1855733, MONDO:8000011, OMIM 243180.
Erythroleukemia, familial, susceptibility to. Also called: DI GUGLIELMO DISEASE, FAMILIAL; Acute erythroleukemia, familial. Identifiers: Orphanet 318, MedGen C5552985, MONDO:0007573, OMIM 133180.
Lethal congenital contracture syndrome 2 (LCCS2). Also called: Lethal congenital contractural syndrome 2; MULTIPLE CONTRACTURE SYNDROME, ISRAELI BEDOUIN TYPE A. Identifiers: Orphanet 137776, MedGen C1843478, MONDO:0011868, OMIM 607598.

gnomAD v4.1: 74 of 1,613,952 alleles (0.0046%); highest among the groups gnomAD compares: Non-Finnish European, 0.0053%; no homozygotes.

Submission:

Juno Genomics, Hangzhou Juno Genomics, Inc
Classification: Uncertain significance for Visceral neuropathy, familial, 1, autosomal recessive; Lethal congenital contracture syndrome 2; Erythroleukemia, familial, susceptibility to. Review status: criteria provided, single submitter. Criteria: ACMG Guidelines, 2015. Collection method: clinical testing. Allele origin: germline.
Comment: Absent from controls (or at extremely low frequency if recessive) in Genome Aggregation Database.;Missense variant in a gene that has a low rate of benign missense variation.